The following is an entry in ClinVar:

NM_020436.5(SALL4):c.2410G>A (p.Asp804Asn)

Gene: SALL4 (spalt like transcription factor 4; minus strand). Cytogenetic location: 20q13.2.
Variant type: single nucleotide variant.
Coding change: c.2410G>A on transcript NM_020436.5 (MANE Select); coding-DNA position 2410, G replaced by A.
Protein change: p.Asp804Asn; replaces aspartic acid 804 with asparagine.
Molecular consequence: missense variant. On other transcripts: intron variant (1).
Genome position (GRCh38, 1-based): chr20:51,790,073, C>T on the plus strand (G>A on the coding strand, the complement: SALL4 is on the minus strand). VCF-style: chr20-51790073-C-T. GRCh37 (hg19) VCF-style: chr20-50406612-C-T.
Other names: c.1151-932G>A (NM_001318031.2); c.2410G>A (NM_020436.3); short protein forms D804N.
Identifiers: ClinVar variation 1514811 (VCV001514811.6), dbSNP rs147768774, ClinGen allele CA9912106.

ClinVar aggregate classification (germline): Uncertain significance. Review status: criteria provided, multiple submitters, no conflicts (2 of 4 stars). 2 submissions from 2 submitters: Uncertain significance (2). Last evaluated 2025-04-29.

Conditions:
Inborn genetic diseases. Identifiers: MedGen C0950123, MeSH D030342.
Duane-radial ray syndrome (DRRS). Also called: Duane-Radial Ray Syndrome (DRRS) / Okihiro Syndrome; ACRORENOOCULAR SYNDROME; DR SYNDROME; DUANE ANOMALY WITH RADIAL RAY ABNORMALITIES AND DEAFNESS; Okihiro Syndrome; Duane-Radial Ray Syndrome/Okihiro Syndrome. Identifiers: Orphanet 93293, Orphanet 959, MedGen C1623209, MONDO:0011812, OMIM 607323. Disease mechanism: gain of function.

Allele frequency attached by ClinVar (database versions not stated): ExAC 0.00013; TOPMed 0.00013; ESP Exome Variant Server 0.00031.
gnomAD v4.1: 457 of 1,614,056 alleles (0.028%); highest among the groups gnomAD compares: Non-Finnish European, 0.038%; no homozygotes.

Submissions (2):

Ambry Genetics
Classification: Uncertain significance for Inborn genetic diseases. Last evaluated: 2025-04-29. Review status: criteria provided, single submitter. Criteria: Ambry Variant Classification Scheme 2023. Collection method: clinical testing. Allele origin: germline.

Labcorp Genetics (formerly Invitae), Labcorp
Classification: Uncertain significance for Duane-radial ray syndrome. Last evaluated: 2021-09-17. Review status: criteria provided, single submitter. Criteria: Invitae Variant Classification Sherloc (09022015). Collection method: clinical testing. Allele origin: germline.
Comment: This sequence change replaces aspartic acid with asparagine at codon 804 of the SALL4 protein (p.Asp804Asn). The aspartic acid residue is weakly conserved and there is a small physicochemical difference between aspartic acid and asparagine. This variant is present in population databases (rs147768774, ExAC 0.02%), and has an allele count higher than expected for a pathogenic variant (PMID: 28166811). This variant has not been reported in the literature in individuals affected with SALL4-related conditions. Algorithms developed to predict the effect of missense changes on protein structure and function (SIFT, PolyPhen-2, Align-GVGD) all suggest that this variant is likely to be tolerated. In summary, the available evidence is currently insufficient to determine the role of this variant in disease. Therefore, it has been classified as a Variant of Uncertain Significance.

Literature cited by the submitters: PubMed 28166811 (cited by Labcorp Genetics (formerly Invitae), Labcorp).